The following is an entry in ClinVar:

NM_018263.6(ASXL2):c.3985G>C (p.Gly1329Arg)

Gene: ASXL2 (ASXL transcriptional regulator 2; minus strand). Cytogenetic location: 2p23.3.
Variant type: single nucleotide variant.
Coding change: c.3985G>C on transcript NM_018263.6 (MANE Select); coding-DNA position 3985, G replaced by C.
Protein change: p.Gly1329Arg; replaces glycine 1329 with arginine.
Molecular consequence: missense variant.
Genome position (GRCh38, 1-based): chr2:25,742,352, C>G on the plus strand (G>C on the coding strand, the complement: ASXL2 is on the minus strand). VCF-style: chr2-25742352-C-G. GRCh37 (hg19) VCF-style: chr2-25965221-C-G.
Other names: c.3811G>C, p.Gly1271Arg (NM_001369346.1); c.3205G>C, p.Gly1069Arg (NM_001369347.1); short protein forms G1069R, G1271R, G1329R.
Identifiers: ClinVar variation 5009793 (VCV005009793.1).

ClinVar aggregate classification (germline): Uncertain significance (1 of 4 stars; one submission).

Submission:

GeneDx
Classification: Uncertain significance. Last evaluated: 2026-02-23. Review status: criteria provided, single submitter. Criteria: GeneDx Variant Classification Process June 2021. Collection method: clinical testing. Allele origin: germline.
Comment: Not observed at significant frequency in large population cohorts (gnomAD); In silico analysis supports that this missense variant has a deleterious effect on protein structure/function; Has not been previously published as pathogenic or benign to our knowledge